The following is an entry in ClinVar:

ClinVar aggregate classification (germline): Uncertain significance (1 of 4 stars; one submission).

Conditions:
Immunodeficiency, common variable, 7. Identifiers: Orphanet 1572, Orphanet 696894, MedGen C3542922, MONDO:0013862, OMIM 614699.

Allele frequency attached by ClinVar (database versions not stated): TOPMed 0.00001; gnomAD exomes below 0.00001; gnomAD 0.00003.

Submission:

Labcorp Genetics (formerly Invitae), Labcorp
Classification: Uncertain significance for Immunodeficiency, common variable, 7. Last evaluated: 2022-07-01. Review status: criteria provided, single submitter. Criteria: Invitae Variant Classification Sherloc (09022015). Collection method: clinical testing. Allele origin: germline.
Comment: In summary, the available evidence is currently insufficient to determine the role of this variant in disease. Therefore, it has been classified as a Variant of Uncertain Significance. Variants that disrupt the consensus splice site are a relatively common cause of aberrant splicing (PMID: 17576681, 9536098). Algorithms developed to predict the effect of sequence changes on RNA splicing suggest that this variant may disrupt the consensus splice site. This variant has not been reported in the literature in individuals affected with CR2-related conditions. This variant is present in population databases (no rsID available, gnomAD 0.01%). This sequence change falls in intron 9 of the CR2 gene. It does not directly change the encoded amino acid sequence of the CR2 protein. It affects a nucleotide within the consensus splice site.

Literature cited by the submitters: PubMed 17576681; PubMed 9536098.

NM_001006658.3(CR2):c.1570+5G>A

Gene: CR2 (complement C3d receptor 2; plus strand). Cytogenetic location: 1q32.2.
Variant type: single nucleotide variant.
Coding change: c.1570+5G>A on transcript NM_001006658.3 (MANE Select); 5 bases into the intron after coding-DNA position 1570, G replaced by A.
Molecular consequence: intron variant.
Genome position (GRCh38, 1-based): chr1:207,471,504, G>A. VCF-style: chr1-207471504-G-A. GRCh37 (hg19) VCF-style: chr1-207644849-G-A.
Other names: c.1570+5G>A (NM_001877.5).
Identifiers: ClinVar variation 2178041 (VCV002178041.4), dbSNP rs1360619050, ClinGen allele CA528609365.